The following is an entry in ClinVar:

NM_012123.4(MTO1):c.1361T>G (p.Leu454Arg)

Gene: MTO1 (mitochondrial tRNA translation optimization 1; plus strand). Cytogenetic location: 6q13.
Variant type: single nucleotide variant.
Coding change: c.1361T>G on transcript NM_012123.4 (MANE Select); coding-DNA position 1361, T replaced by G.
Protein change: p.Leu454Arg; replaces leucine 454 with arginine.
Molecular consequence: missense variant.
Genome position (GRCh38, 1-based): chr6:73,482,140, T>G. VCF-style: chr6-73482140-T-G. GRCh37 (hg19) VCF-style: chr6-74191863-T-G.
Other names: c.1481T>G, p.Leu494Arg (NM_001123226.2); c.1436T>G, p.Leu479Arg (NM_133645.3); short protein forms L479R, L494R, L454R.
Identifiers: ClinVar variation 3655062 (VCV003655062.2).

ClinVar aggregate classification (germline): Uncertain significance (1 of 4 stars; one submission).

Conditions:
Mitochondrial hypertrophic cardiomyopathy with lactic acidosis due to MTO1 deficiency. Also called: CARDIOMYOPATHY, INFANTILE HYPERTROPHIC MITOCHONDRIAL, AND LACTIC ACIDOSIS; Combined oxidative phosphorylation deficiency 10. Identifiers: Orphanet 314637, MedGen C4749921, MONDO:0013865, OMIM 614702.

Submission:

Labcorp Genetics (formerly Invitae), Labcorp
Classification: Uncertain significance for Mitochondrial hypertrophic cardiomyopathy with lactic acidosis due to MTO1 deficiency. Last evaluated: 2024-06-05. Review status: criteria provided, single submitter. Criteria: Invitae Variant Classification Sherloc (09022015). Collection method: clinical testing. Allele origin: germline.
Comment: This sequence change replaces leucine, which is neutral and non-polar, with arginine, which is basic and polar, at codon 454 of the MTO1 protein (p.Leu454Arg). This variant is not present in population databases (gnomAD no frequency). This variant has not been reported in the literature in individuals affected with MTO1-related conditions. Advanced modeling of protein sequence and biophysical properties (such as structural, functional, and spatial information, amino acid conservation, physicochemical variation, residue mobility, and thermodynamic stability) has been performed at Invitae for this missense variant, however the output from this modeling did not meet the statistical confidence thresholds required to predict the impact of this variant on MTO1 protein function. In summary, the available evidence is currently insufficient to determine the role of this variant in disease. Therefore, it has been classified as a Variant of Uncertain Significance.